The following is an entry in ClinVar:

NM_000254.3(MTR):c.1483A>G (p.Met495Val)

Gene: MTR (5-methyltetrahydrofolate-homocysteine methyltransferase; plus strand). Cytogenetic location: 1q43.
Variant type: single nucleotide variant.
Coding change: c.1483A>G on transcript NM_000254.3 (MANE Select); coding-DNA position 1483, A replaced by G.
Protein change: p.Met495Val; replaces methionine 495 with valine.
Molecular consequence: missense variant.
Genome position (GRCh38, 1-based): chr1:236,838,567, A>G. VCF-style: chr1-236838567-A-G. GRCh37 (hg19) VCF-style: chr1-237001867-A-G.
Other names: c.1483A>G, p.Met495Val (NM_001291939.1); c.262A>G, p.Met88Val (NM_001291940.2); c.1483A>G (NM_000254.2); short protein forms M88V, M495V.
Identifiers: ClinVar variation 1431942 (VCV001431942.7), dbSNP rs775291294, ClinGen allele CA1474088.
Genomic context (GRCh38, chr1:236,838,567, plus strand): 5'-AAGGAAGGAGAGGACGACTTCTTGGAGAAGGCCAGGAAGATTAAAAAGTATGGAGCTGCT[A>G]TGGTGGTCATGGCTTTTGATGAAGAAGGACAGGTGAGTGGTTTCTTTTGGCCTAATCCAT-3'
Protein context (NP_000245.2, residues 485-505): ARKIKKYGAA[Met495Val]VVMAFDEEGQ

ClinVar aggregate classification (germline): Conflicting classifications of pathogenicity. Review status: criteria provided, conflicting classifications (1 of 4 stars). 2 submissions from 2 submitters: Uncertain significance (1); Likely benign (1). Last evaluated 2025-06-20.

Conditions:
Inborn genetic diseases. Identifiers: MedGen C0950123, MeSH D030342.
Methylcobalamin deficiency type cblG (HMAG). Also called: HOMOCYSTINURIA-MEGALOBLASTIC ANEMIA, cblG COMPLEMENTATION TYPE; Functional methionine synthase deficiency type cblG; HOMOCYSTINURIA-MEGALOBLASTIC ANEMIA, cblG TYPE; HOMOCYSTINURIA-MEGALOBLASTIC ANEMIA DUE TO DEFECT IN COBALAMIN METABOLISM, cblG COMPLEMENTATION TYPE. Identifiers: Orphanet 2170, Orphanet 622, MedGen C1855128, MONDO:0009609, OMIM 250940.

Allele frequency attached by ClinVar (database versions not stated): gnomAD exomes below 0.00001 and 0.00001; ExAC 0.00001; TOPMed 0.00001.
gnomAD v4.1: 8 of 1,614,132 alleles (0.0005%); highest among the groups gnomAD compares: South Asian, 0.0022%; no homozygotes.

Submissions (2):

Labcorp Genetics (formerly Invitae), Labcorp
Classification: Uncertain significance for Methylcobalamin deficiency type cblG. Last evaluated: 2025-06-20. Review status: criteria provided, single submitter. Criteria: Invitae Variant Classification Sherloc (09022015). Collection method: clinical testing. Allele origin: germline.
Comment: This sequence change replaces methionine, which is neutral and non-polar, with valine, which is neutral and non-polar, at codon 495 of the MTR protein (p.Met495Val). This variant is present in population databases (rs775291294, gnomAD 0.003%). This variant has not been reported in the literature in individuals affected with MTR-related conditions. ClinVar contains an entry for this variant (Variation ID: 1431942). Invitae Evidence Modeling of protein sequence and biophysical properties (such as structural, functional, and spatial information, amino acid conservation, physicochemical variation, residue mobility, and thermodynamic stability) indicates that this missense variant is not expected to disrupt MTR protein function with a negative predictive value of 95%. In summary, the available evidence is currently insufficient to determine the role of this variant in disease. Therefore, it has been classified as a Variant of Uncertain Significance.

Ambry Genetics
Classification: Likely benign for Inborn genetic diseases. Last evaluated: 2021-07-14. Review status: criteria provided, single submitter. Criteria: Ambry Variant Classification Scheme 2023. Collection method: clinical testing. Allele origin: germline.